The following is an entry in ClinVar:

NM_024408.4(NOTCH2):c.7015A>G (p.Met2339Val)

Gene: NOTCH2 (notch receptor 2; minus strand). Cytogenetic location: 1p12.
Variant type: single nucleotide variant.
Coding change: c.7015A>G on transcript NM_024408.4 (MANE Select); coding-DNA position 7015, A replaced by G.
Protein change: p.Met2339Val; replaces methionine 2339 with valine.
Molecular consequence: missense variant.
Genome position (GRCh38, 1-based): chr1:119,915,707, T>C on the plus strand (A>G on the coding strand, the complement: NOTCH2 is on the minus strand). VCF-style: chr1-119915707-T-C. GRCh37 (hg19) VCF-style: chr1-120458330-T-C.
Other names: short protein forms M2339V.
Identifiers: ClinVar variation 4774861 (VCV004774861.1).

ClinVar aggregate classification (germline): Uncertain significance (1 of 4 stars; one submission).

Conditions:
Hajdu-Cheney syndrome (HJCYS). Also called: Acroosteolysis dominant type; SERPENTINE FIBULA-POLYCYSTIC KIDNEY SYNDROME; ACROOSTEOLYSIS WITH OSTEOPOROSIS AND CHANGES IN SKULL AND MANDIBLE. Identifiers: Orphanet 955, MedGen C0917715, MONDO:0007057, OMIM 102500.

gnomAD v4.1: 1 of 1,610,846 alleles (0.000062%); highest among the groups gnomAD compares: East Asian, 0.0022%; no homozygotes.

Submission:

Labcorp Genetics (formerly Invitae), Labcorp
Classification: Uncertain significance for Hajdu-Cheney syndrome. Last evaluated: 2025-02-05. Review status: criteria provided, single submitter. Criteria: Invitae Variant Classification Sherloc (09022015). Collection method: clinical testing. Allele origin: germline.
Comment: This sequence change replaces methionine, which is neutral and non-polar, with valine, which is neutral and non-polar, at codon 2339 of the NOTCH2 protein (p.Met2339Val). This variant is not present in population databases (gnomAD no frequency). This variant has not been reported in the literature in individuals affected with NOTCH2-related conditions. Invitae Evidence Modeling of protein sequence and biophysical properties (such as structural, functional, and spatial information, amino acid conservation, physicochemical variation, residue mobility, and thermodynamic stability) indicates that this missense variant is not expected to disrupt NOTCH2 protein function with a negative predictive value of 95%. In summary, the available evidence is currently insufficient to determine the role of this variant in disease. Therefore, it has been classified as a Variant of Uncertain Significance.